The following is an entry in ClinVar:

NM_006904.7(PRKDC):c.3671T>C (p.Phe1224Ser)

Gene: PRKDC (protein kinase, DNA-activated, catalytic subunit; minus strand). Cytogenetic location: 8q11.21.
Variant type: single nucleotide variant.
Coding change: c.3671T>C on transcript NM_006904.7 (MANE Select); coding-DNA position 3671, T replaced by C.
Protein change: p.Phe1224Ser; replaces phenylalanine 1224 with serine.
Molecular consequence: missense variant.
Genome position (GRCh38, 1-based): chr8:47,893,315, A>G on the plus strand (T>C on the coding strand, the complement: PRKDC is on the minus strand). VCF-style: chr8-47893315-A-G. GRCh37 (hg19) VCF-style: chr8-48805875-A-G.
Other names: c.3671T>C, p.Phe1224Ser (NM_001081640.2); short protein forms F1224S.
Identifiers: ClinVar variation 3225842 (VCV003225842.1), dbSNP rs2551874342, ClinGen allele CA371150848.
Genomic context (GRCh38, chr8:47,893,315, plus strand): 5'-AGGTACAAGAGGGTGGGCTGGGCCAGGATGCCCGAGGGCTGGCCACAGCCACCCCCCTCA[A>G]AGGTGTTGATGAGAAAAGAGACACCTTCTTCCTTGAGAACATCTTTCAGCCACAAATTAG-3'
Protein context (NP_008835.5, residues 1214-1234): EEGVSFLINT[Phe1224Ser]EGGGCGQPSG

ClinVar aggregate classification (germline): Uncertain significance (1 of 4 stars; one submission).

Submission:

Ambry Genetics
Classification: Uncertain significance. Last evaluated: 2024-02-26. Review status: criteria provided, single submitter. Criteria: Ambry Variant Classification Scheme 2023. Collection method: clinical testing. Allele origin: germline.
Comment: The p.F1224S variant (also known as c.3671T>C), located in coding exon 31 of the PRKDC gene, results from a T to C substitution at nucleotide position 3671. The phenylalanine at codon 1224 is replaced by serine, an amino acid with highly dissimilar properties. This amino acid position is conserved. In addition, this alteration is predicted to be deleterious by in silico analysis. Based on the available evidence, the clinical significance of this alteration remains unclear.